The following is an entry in ClinVar:

ClinVar aggregate classification (germline): Likely pathogenic (3 of 4 stars; one submission).

Conditions:
Hereditary factor IX deficiency disease (HEMB). Also called: F9 DEFICIENCY; FACTOR IX DEFICIENCY; PLASMA THROMBOPLASTIN COMPONENT DEFICIENCY; Hemophilia B; Christmas Disease. Identifiers: Orphanet 98879, MedGen C0008533, MeSH D002836, MONDO:0010604, OMIM 306900.

Submission:

ClinGen Coagulation Factor Deficiency Variant Curation Expert Panel, Clingen
Classification: Likely pathogenic for Hereditary factor IX deficiency disease. Last evaluated: 2024-10-11. Review status: reviewed by expert panel. Criteria: ClinGen CoagFactor ACMG Specifications F9 V1.0.0. Collection method: curation. Allele origin: germline. Inheritance: X-linked inheritance.
Comment: The c.953T>G; p.Leu318Arg variant is completely absent from gnomAD v2.1.1 and v3.1.1 (PM2_Supporting). This missense variant has a REVEL score of 0.979 and meets PP3 criteria (PP3, threshold >0.6). At least 3 patients are reported in the literature with severe hemophilia B and this variant, meeting F9 phenotype criteria (PS4_Moderate, PP4_Moderate; PMID: 29296726, PMID: 1897528, PMID: 12588353). There is at least 1 proband with hemophilia B meeting phenotypic criteria for F9, with assumed de novo (maternity not confirmed in an affected male) occurrence (PM6, PMID: 30648777). Leu318Phe is another pathogenic variant at the same residue (PM5). In summary, this variant meets criteria to be classified as likely pathogenic. The ACMG/AMP criteria applied, as specified by the Coagulation Factor Deficiency Variant Curation Expert Panel, for F9: PM5, PM6, PS4_Moderate, PP4_Moderate, PP3, PM2_Supporting.

NM_000133.4(F9):c.953T>G (p.Leu318Arg)

Gene: F9 (coagulation factor IX; plus strand). Cytogenetic location: Xq27.1.
Variant type: single nucleotide variant.
Coding change: c.953T>G on transcript NM_000133.4 (MANE Select); coding-DNA position 953, T replaced by G.
Protein change: p.Leu318Arg; replaces leucine 318 with arginine.
Molecular consequence: missense variant.
Genome position (GRCh38, 1-based): chrX:139,561,638, T>G. VCF-style: chrX-139561638-T-G. GRCh37 (hg19) VCF-style: chrX-138643797-T-G.
Other names: NM_001313913.2:c.839T>G; c.839T>G, p.Leu280Arg (NM_001313913.2); short protein forms L280R, L318R.
Identifiers: ClinVar variation 3390363 (VCV003390363.1).